The following is an entry in ClinVar:

ClinVar aggregate classification (germline): Likely pathogenic. Review status: criteria provided, multiple submitters, no conflicts (2 of 4 stars). 2 submissions from 2 submitters: Likely pathogenic (2). Last evaluated 2023-11-04.

Conditions:
Agenesis of the corpus callosum with peripheral neuropathy (ACCPN). Also called: CHARLEVOIX DISEASE; POLYNEUROPATHY, SENSORIMOTOR, WITH OR WITHOUT AGENESIS OF THE CORPUS CALLOSUM; HMSN/ACC; Hereditary Motor and Sensory Neuropathy with Agenesis of the Corpus Callosum. Identifiers: Orphanet 1496, MedGen C0795950, MONDO:0000902, OMIM 218000. Disease mechanism: loss of function.

Submissions (2):

Baylor Genetics
Classification: Likely pathogenic for Agenesis of the corpus callosum with peripheral neuropathy. Last evaluated: 2023-11-04. Review status: criteria provided, single submitter. Criteria: ACMG Guidelines, 2015. Collection method: clinical testing. Allele origin: unknown.

Labcorp Genetics (formerly Invitae), Labcorp
Classification: Likely pathogenic. Last evaluated: 2023-10-05. Review status: criteria provided, single submitter. Criteria: Invitae Variant Classification Sherloc (09022015). Collection method: clinical testing. Allele origin: germline.
Comment: This sequence change affects a donor splice site in intron 1 of the SLC12A6 gene. It is expected to disrupt RNA splicing. Variants that disrupt the donor or acceptor splice site typically lead to a loss of protein function (PMID: 16199547), and loss-of-function variants in SLC12A6 are known to be pathogenic (PMID: 12368912, 16606917). This variant is not present in population databases (gnomAD no frequency). This variant has not been reported in the literature in individuals affected with SLC12A6-related conditions. Algorithms developed to predict the effect of sequence changes on RNA splicing suggest that this variant may disrupt the consensus splice site. In summary, the currently available evidence indicates that the variant is pathogenic, but additional data are needed to prove that conclusively. Therefore, this variant has been classified as Likely Pathogenic.

Literature cited by the submitters: PubMed 16199547 (cited by Labcorp Genetics (formerly Invitae), Labcorp); PubMed 12368912 (cited by Labcorp Genetics (formerly Invitae), Labcorp); PubMed 16606917 (cited by Labcorp Genetics (formerly Invitae), Labcorp).

NM_001365088.1(SLC12A6):c.271+1G>A

Gene: SLC12A6 (solute carrier family 12 member 6; minus strand). Cytogenetic location: 15q14.
Variant type: single nucleotide variant.
Coding change: c.271+1G>A on transcript NM_001365088.1 (MANE Select); the canonical splice donor site of the intron after coding-DNA position 271, G replaced by A.
Molecular consequence: splice donor variant.
Genome position (GRCh38, 1-based): chr15:34,336,409, C>T on the plus strand (G>A on the coding strand, the complement: SLC12A6 is on the minus strand). VCF-style: chr15-34336409-C-T. GRCh37 (hg19) VCF-style: chr15-34628610-C-T.
Other names: c.94+1G>A (NM_001042495.2, NM_001042494.2); c.244+1G>A (NM_001042496.2); c.271+1G>A (NM_001042497.2, NM_133647.2).
Identifiers: ClinVar variation 2763644 (VCV002763644.4), dbSNP rs2510085199, ClinGen allele CA391621344.